The following is an entry in ClinVar:

NM_002458.3(MUC5B):c.6218C>T (p.Pro2073Leu)

Genes: MUC5B (mucin 5B, oligomeric mucus/gel-forming; plus strand), MUC5B-AS1 (MUC5B antisense RNA 1; minus strand). Cytogenetic location: 11p15.5.
Variant type: single nucleotide variant.
Coding change: c.6218C>T on transcript NM_002458.3 (MANE Select); coding-DNA position 6218, C replaced by T.
Protein change: p.Pro2073Leu; replaces proline 2073 with leucine.
Molecular consequence: missense variant.
Genome position (GRCh38, 1-based): chr11:1,243,098, C>T. VCF-style: chr11-1243098-C-T. GRCh37 (hg19) VCF-style: chr11-1264328-C-T.
Other names: short protein forms P2073L.
Identifiers: ClinVar variation 2641216 (VCV002641216.24), dbSNP rs199699804, ClinGen allele CA5805953.

ClinVar aggregate classification (germline): Likely benign (1 of 4 stars; one submission).

Allele frequency attached by ClinVar (database versions not stated): ExAC 0.00242.

Submission:

CeGaT Center for Human Genetics Tuebingen
Classification: Likely benign. Last evaluated: 2024-10-01. Review status: criteria provided, single submitter. Criteria: CeGaT Center For Human Genetics Tuebingen Variant Classification Criteria Version 2. Collection method: clinical testing. Allele origin: germline. Affected: yes. Observed: 5 variant alleles.
Comment: MUC5B: BP4, BS1